The following is an entry in ClinVar:

NM_001458.5(FLNC):c.4636G>T (p.Gly1546Cys)

Gene: FLNC (filamin C; plus strand). Cytogenetic location: 7q32.1.
Variant type: single nucleotide variant.
Coding change: c.4636G>T on transcript NM_001458.5 (MANE Select); coding-DNA position 4636, G replaced by T.
Protein change: p.Gly1546Cys; replaces glycine 1546 with cysteine.
Molecular consequence: missense variant.
Genome position (GRCh38, 1-based): chr7:128,848,616, G>T. VCF-style: chr7-128848616-G-T. GRCh37 (hg19) VCF-style: chr7-128488670-G-T.
Other names: c.4636G>T, p.Gly1546Cys (NM_001127487.2); short protein forms G1546C.
Identifiers: ClinVar variation 1366766 (VCV001366766.8), dbSNP rs774263134, ClinGen allele CA369202188.

ClinVar aggregate classification (germline): Uncertain significance (1 of 4 stars; one submission).

Conditions:
Myofibrillar myopathy 5. Also called: FILAMINOPATHY, AUTOSOMAL DOMINANT; Filaminopathy (type). Identifiers: Orphanet 171445, MedGen C1836050, MONDO:0012289, OMIM 609524.
Distal myopathy with posterior leg and anterior hand involvement. Also called: WILLIAMS DISTAL MYOPATHY. Identifiers: Orphanet 63273, MedGen C3279722, MONDO:0013550, OMIM 614065.
Hypertrophic cardiomyopathy 26. Also called: Cardiomyopathy, familial hypertrophic, 26. Identifiers: Orphanet 75249, MedGen C4310749, MONDO:0014883, OMIM 617047.

Submission:

Labcorp Genetics (formerly Invitae), Labcorp
Classification: Uncertain significance for Distal myopathy with posterior leg and anterior hand involvement; Myofibrillar myopathy 5; Hypertrophic cardiomyopathy 26. Last evaluated: 2021-07-28. Review status: criteria provided, single submitter. Criteria: Invitae Variant Classification Sherloc (09022015). Collection method: clinical testing. Allele origin: germline.
Comment: In summary, the available evidence is currently insufficient to determine the role of this variant in disease. Therefore, it has been classified as a Variant of Uncertain Significance. Algorithms developed to predict the effect of missense changes on protein structure and function are either unavailable or do not agree on the potential impact of this missense change (SIFT: "Deleterious"; PolyPhen-2: "Probably Damaging"; Align-GVGD: "Class C0"). This variant has not been reported in the literature in individuals with FLNC-related conditions. This variant is not present in population databases (ExAC no frequency). This sequence change replaces glycine with cysteine at codon 1546 of the FLNC protein (p.Gly1546Cys). The glycine residue is highly conserved and there is a large physicochemical difference between glycine and cysteine.